The following is an entry in ClinVar:

NM_014920.5(CILK1):c.36T>C (p.Asp12=)

Gene: CILK1 (ciliogenesis associated kinase 1; minus strand). Cytogenetic location: 6p12.1.
Variant type: single nucleotide variant.
Coding change: c.36T>C on transcript NM_014920.5 (MANE Select); coding-DNA position 36, T replaced by C.
Protein change: p.Asp12=; no amino-acid change (aspartic acid 12 retained).
Molecular consequence: synonymous variant. On other transcripts: non-coding transcript variant (1).
Genome position (GRCh38, 1-based): chr6:53,041,201, A>G on the plus strand (T>C on the coding strand, the complement: CILK1 is on the minus strand). VCF-style: chr6-53041201-A-G. GRCh37 (hg19) VCF-style: chr6-52905999-A-G.
Other names: c.36T>C, p.Asp12= (NM_001375397.1, NM_001375398.1, NM_001375399.1 and 4 more transcripts).
Identifiers: ClinVar variation 4872390 (VCV004872390.2).

ClinVar aggregate classification (germline): Likely benign (1 of 4 stars; one submission).

Submission:

CeGaT Center for Human Genetics Tuebingen
Classification: Likely benign. Last evaluated: 2026-05-01. Review status: criteria provided, single submitter. Criteria: CeGaT Center For Human Genetics Tuebingen Variant Classification Criteria Version 2. Collection method: clinical testing. Allele origin: germline. Affected: yes. Observed: 2 variant alleles.
Comment: CILK1: PM2:Supporting, BP4, BP7